The following is an entry in ClinVar:

ClinVar aggregate classification (germline): Likely benign. Review status: reviewed by expert panel (3 of 4 stars). 9 submissions from 9 submitters: Likely benign (1). 8 of the submissions do not count toward it. Last evaluated 2025-03-12.

Conditions:
MYO15A-related disorder. Also called: MYO15A-related condition.
Nonsyndromic genetic hearing loss. Also called: Non-syndromic genetic deafness; Nonsyndromic genetic deafness; Nonsyndromic hearing loss and deafness. Identifiers: Orphanet 87884, MedGen C5680182, MONDO:0019497.
Autosomal recessive nonsyndromic hearing loss 3. Also called: NEUROSENSORY NONSYNDROMIC RECESSIVE DEAFNESS 3. Identifiers: Orphanet 90636, MedGen C1838263, MONDO:0010860, OMIM 600316.

Allele frequency attached by ClinVar (database versions not stated): 1000 Genomes Project 30x 0.00031; 1000 Genomes Project 0.00040; gnomAD 0.00048 and 0.00049; TOPMed 0.00062; gnomAD exomes 0.00080; ExAC 0.00081; ESP Exome Variant Server 0.00103.
gnomAD v4.1: 1,650 of 1,614,150 alleles (0.1%); highest among the groups gnomAD compares: Admixed American, 0.16%; 3 homozygotes.

Submissions (9):

ClinGen Hearing Loss Variant Curation Expert Panel
Classification: Likely benign for Nonsyndromic genetic hearing loss. Last evaluated: 2025-03-12. Review status: reviewed by expert panel. Criteria: clingen hl acmg specifications otof myo15a v1. Collection method: curation. Allele origin: germline. Inheritance: Autosomal recessive inheritance.
Comment: The c.4497G>T variant in MYO15A is a missense variant predicted to cause substitution of glutamic acid by aspartic acid at amino acid 1499. The filtering allele frequency of this variant in gnomAD v4.1 is 0.1325% in the Admixed American population, which is higher than the ClinGen Hearing Loss threshold of 0.07% for BS1_Supporting, and therefore meets this criterion (BS1_Supporting). The computational predictor REVEL gives a score of 0.448, which is neither above nor below the thresholds predicting a damaging or benign impact on MYO15A function (BP4 and PP3 not met). This variant has been identified in 1 proband with hearing loss with a variant of uncertain significance suspected in trans (Partners LMM internal data SCV000711130.2). The variant has also been detected in the homozygous state in three unaffected parents (BS2; GeneDx internal data SCV001982245.2). In summary, this variant meets criteria to be classified as likely benign for autosomal recessive nonsyndromic hearing based on the ACMG/AMP criteria applied as specified by the Hearing Loss Expert Panel: BS1_Supporting, BS2 (ClinGen Hearing Loss VCEP specifications version 2; 3/12/2025).

Labcorp Genetics (formerly Invitae), Labcorp
Classification: Benign. Last evaluated: 2026-01-21. Review status: criteria provided, single submitter. Criteria: Invitae Variant Classification Sherloc (09022015). Collection method: clinical testing. Allele origin: germline. Not counted in ClinVar's aggregate classification.

PreventionGenetics, part of Exact Sciences
Classification: Likely benign for MYO15A-related condition. Last evaluated: 2025-10-21. Review status: criteria provided, single submitter. Criteria: ACMG Guidelines, 2015. Collection method: clinical testing. Allele origin: germline. Not counted in ClinVar's aggregate classification.
Comment: This variant is classified as likely benign based on ACMG/AMP sequence variant interpretation guidelines (Richards et al. 2015 PMID: 25741868, with internal and published modifications).

Blueprint Genetics
Classification: Uncertain significance. Last evaluated: 2024-11-25. Review status: criteria provided, single submitter. Criteria: ACMG Guidelines, 2015. Collection method: clinical testing. Allele origin: germline. Not counted in ClinVar's aggregate classification.

GeneDx
Classification: Uncertain significance. Last evaluated: 2021-09-16. Review status: criteria provided, single submitter. Criteria: GeneDx Variant Classification Process June 2021. Collection method: clinical testing. Allele origin: germline. Affected: yes. Not counted in ClinVar's aggregate classification.
Comment: Reported in a patient with hearing loss in published literature; however, clinical information was limited (Sommen M et al., 2016); In silico analysis supports that this missense variant has a deleterious effect on protein structure/function; This variant is associated with the following publications: (PMID: 27068579, 32304219)

Fulgent Genetics
Classification: Uncertain significance for Autosomal recessive nonsyndromic hearing loss 3. Last evaluated: 2021-09-03. Review status: criteria provided, single submitter. Criteria: ACMG Guidelines, 2015. Collection method: clinical testing. Allele origin: unknown. Not counted in ClinVar's aggregate classification.

Laboratory for Molecular Medicine, Mass General Brigham Personalized Medicine
Classification: Uncertain significance. Last evaluated: 2019-03-19. Review status: criteria provided, single submitter. Criteria: LMM Criteria. Collection method: clinical testing. Allele origin: germline. Observed: 5 variant alleles. Not counted in ClinVar's aggregate classification.
Comment: The p.Glu1499Asp variant in MYO15A has been identified in at least 5 individuals with hearing loss, only 1 of whom carried a second variant (classified as a VUS) in MYO15A (Sommen 2016, LMM data). This variant has also been identified in 0.17% (59/35358) of Latino and 0.11% (141/128518) of European chromosomes, including 2 homozygotes, by gnomAD. Computational prediction tools and conservation analysis suggest that the variant may impact the protein, though this information is not predictive enough to determine pathogenicity. In summary, the clinical significance of the p.Glu1499Asp variant is uncertain. ACMG/AMP Criteria applied: BS1_Supporting, PP3.

Illumina Laboratory Services, Illumina
Classification: Uncertain significance for Autosomal recessive nonsyndromic hearing loss 3. Last evaluated: 2017-04-27. Review status: criteria provided, single submitter. Criteria: ICSL Variant Classification Criteria 13 December 2019. Collection method: clinical testing. Allele origin: germline. Not counted in ClinVar's aggregate classification.

Breakthrough Genomics
Classification: Uncertain significance. Review status: criteria provided, single submitter. Criteria: ACMG Guidelines, 2015. Collection method: not provided. Allele origin: germline. Inheritance: Autosomal recessive inheritance. Affected: yes. Not counted in ClinVar's aggregate classification.

Literature cited by the submitters: PubMed 27068579 (cited by Laboratory for Molecular Medicine, Mass General Brigham Personalized Medicine).

NM_016239.4(MYO15A):c.4497G>T (p.Glu1499Asp)

Gene: MYO15A (myosin XVA; plus strand). Cytogenetic location: 17p11.2.
Variant type: single nucleotide variant.
Coding change: c.4497G>T on transcript NM_016239.4 (MANE Select); coding-DNA position 4497, G replaced by T.
Protein change: p.Glu1499Asp; replaces glutamic acid 1499 with aspartic acid.
Molecular consequence: missense variant.
Genome position (GRCh38, 1-based): chr17:18,135,725, G>T. VCF-style: chr17-18135725-G-T. GRCh37 (hg19) VCF-style: chr17-18039039-G-T.
Other names: NM_016239.4(MYO15A):c.4497G>T; short protein forms E1499D.
Identifiers: ClinVar variation 504630 (VCV000504630.25), dbSNP rs149813580, ClinGen allele CA8423917.